The following is an entry in ClinVar:

NM_006415.4(SPTLC1):c.609T>C (p.Arg203=)

Gene: SPTLC1 (serine palmitoyltransferase long chain base subunit 1; minus strand). Cytogenetic location: 9q22.31.
Variant type: single nucleotide variant.
Coding change: c.609T>C on transcript NM_006415.4 (MANE Select); coding-DNA position 609, T replaced by C.
Protein change: p.Arg203=; no amino-acid change (arginine 203 retained).
Molecular consequence: synonymous variant.
Genome position (GRCh38, 1-based): chr9:92,059,260, A>G on the plus strand (T>C on the coding strand, the complement: SPTLC1 is on the minus strand). VCF-style: chr9-92059260-A-G. GRCh37 (hg19) VCF-style: chr9-94821542-A-G.
Other names: c.609T>C, p.Arg203= (NM_001281303.2); c.243T>C, p.Arg81= (NM_001368272.1); c.144T>C, p.Arg48= (NM_001368273.1); c.609T>C (LRG_272t1).
Identifiers: ClinVar variation 512595 (VCV000512595.14), dbSNP rs373314300, ClinGen allele CA195395616.

ClinVar aggregate classification (germline): Likely benign. Review status: criteria provided, multiple submitters, no conflicts (2 of 4 stars). 4 submissions from 4 submitters: Likely benign (4). Last evaluated 2026-04-15.

Conditions:
Inborn genetic diseases. Identifiers: MedGen C0950123, MeSH D030342.
Hereditary sensory and autonomic neuropathy type 1 (HSAN1). Also called: HSAN 1; HSN Type I; Hereditary Sensory Neuropathy Type I. Identifiers: Orphanet 36386, MedGen C0020071, MONDO:0018213.

Allele frequency attached by ClinVar (database versions not stated): TOPMed 0.00002; gnomAD 0.00001; ESP Exome Variant Server 0.00008; gnomAD exomes 0.00001.
gnomAD v4.1: 19 of 1,613,940 alleles (0.0012%); highest among the groups gnomAD compares: Non-Finnish European, 0.0015%; no homozygotes.

Submissions (4):

Women's Health and Genetics/Laboratory Corporation of America, LabCorp
Classification: Likely benign. Last evaluated: 2026-04-15. Review status: criteria provided, single submitter. Criteria: LabCorp Variant Classification Summary - May 2015. Collection method: clinical testing. Allele origin: germline.

Labcorp Genetics (formerly Invitae), Labcorp
Classification: Likely benign for Hereditary sensory and autonomic neuropathy type 1. Last evaluated: 2025-04-17. Review status: criteria provided, single submitter. Criteria: Invitae Variant Classification Sherloc (09022015). Collection method: clinical testing. Allele origin: germline.

Ambry Genetics
Classification: Likely benign for Inborn genetic diseases. Last evaluated: 2019-07-11. Review status: criteria provided, single submitter. Criteria: Ambry Variant Classification Scheme 2023. Collection method: clinical testing. Allele origin: germline.

GeneDx
Classification: Likely benign. Last evaluated: 2017-10-12. Review status: criteria provided, single submitter. Criteria: GeneDx Variant Classification (06012015). Collection method: clinical testing. Allele origin: germline. Affected: yes.
Comment: This variant is considered likely benign or benign based on one or more of the following criteria: it is a conservative change, it occurs at a poorly conserved position in the protein, it is predicted to be benign by multiple in silico algorithms, and/or has population frequency not consistent with disease.